The following is an entry in ClinVar:

ClinVar aggregate classification (germline): Uncertain significance (1 of 4 stars; one submission).

Submission:

Labcorp Genetics (formerly Invitae), Labcorp
Classification: Uncertain significance. Last evaluated: 2021-01-28. Review status: criteria provided, single submitter. Criteria: Invitae Variant Classification Sherloc (09022015). Collection method: clinical testing. Allele origin: germline.
Comment: In summary, the available evidence is currently insufficient to determine the role of this variant in disease. Therefore, it has been classified as a Variant of Uncertain Significance. Advanced modeling of protein sequence and biophysical properties (such as structural, functional, and spatial information, amino acid conservation, physicochemical variation, residue mobility, and thermodynamic stability) performed at Invitae indicates that this missense variant is not expected to disrupt CNGB1 protein function. This variant has not been reported in the literature in individuals with CNGB1-related conditions. This variant is not present in population databases (ExAC no frequency). This sequence change replaces valine with leucine at codon 503 of the CNGB1 protein (p.Val503Leu). The valine residue is moderately conserved and there is a small physicochemical difference between valine and leucine.

NM_001297.5(CNGB1):c.1507G>C (p.Val503Leu)

Gene: CNGB1 (cyclic nucleotide gated channel subunit beta 1; minus strand). Cytogenetic location: 16q21.
Variant type: single nucleotide variant.
Coding change: c.1507G>C on transcript NM_001297.5 (MANE Select); coding-DNA position 1507, G replaced by C.
Protein change: p.Val503Leu; replaces valine 503 with leucine.
Molecular consequence: missense variant.
Genome position (GRCh38, 1-based): chr16:57,931,744, C>G on the plus strand (G>C on the coding strand, the complement: CNGB1 is on the minus strand). VCF-style: chr16-57931744-C-G. GRCh37 (hg19) VCF-style: chr16-57965648-C-G.
Other names: c.1489G>C, p.Val497Leu (NM_001286130.2); short protein forms V503L, V497L.
Identifiers: ClinVar variation 1360126 (VCV001360126.8), dbSNP rs2149372017, ClinGen allele CA396070406.
Genomic context (GRCh38, chr16:57,931,744, plus strand): 5'-GAGAAAAGCCCAAGAGAAGCATAAAAGGTAACCTGTGTGTCCCCGAGGCTGAGCTTGGGA[C>G]TATAAGGGTGTCTGATTTGGCAGGAGACGGTGGCGGCAACACGGTTGAGGGTGGATTCTC-3'
Protein context (NP_001288.3, residues 493-513): PSPAKSDTLI[Val503Leu]PSSASGTHRK